The following is an entry in ClinVar:

NM_001458.5(FLNC):c.6721C>T (p.Gln2241Ter)

Genes: FLNC-AS1 (FLNC antisense RNA 1; minus strand), FLNC (filamin C; plus strand). Cytogenetic location: 7q32.1.
Variant type: single nucleotide variant.
Coding change: c.6721C>T on transcript NM_001458.5 (MANE Select); coding-DNA position 6721, C replaced by T.
Protein change: p.Gln2241Ter; replaces glutamine 2241 with a stop codon.
Molecular consequence: nonsense.
Genome position (GRCh38, 1-based): chr7:128,854,210, C>T. VCF-style: chr7-128854210-C-T. GRCh37 (hg19) VCF-style: chr7-128494264-C-T.
Other names: c.6622C>T, p.Gln2208Ter (NM_001127487.2); short protein forms Q2208*, Q2241*.
Identifiers: ClinVar variation 1395732 (VCV001395732.6), dbSNP rs2128939369, ClinGen allele CA369213309.

ClinVar aggregate classification (germline): Pathogenic (1 of 4 stars; one submission).

Conditions:
Myofibrillar myopathy 5. Also called: Filaminopathy (type); FILAMINOPATHY, AUTOSOMAL DOMINANT. Identifiers: Orphanet 171445, MedGen C1836050, MONDO:0012289, OMIM 609524.
Hypertrophic cardiomyopathy 26. Also called: Cardiomyopathy, familial hypertrophic, 26. Identifiers: Orphanet 75249, MedGen C4310749, MONDO:0014883, OMIM 617047.
Distal myopathy with posterior leg and anterior hand involvement. Also called: WILLIAMS DISTAL MYOPATHY. Identifiers: Orphanet 63273, MedGen C3279722, MONDO:0013550, OMIM 614065.

Allele frequency attached by ClinVar (database versions not stated): gnomAD exomes below 0.00001.
gnomAD v4.1: 1 of 1,607,048 alleles (0.000062%); highest among the groups gnomAD compares: Non-Finnish European, 0.000085%; no homozygotes.

Submission:

Labcorp Genetics (formerly Invitae), Labcorp
Classification: Pathogenic for Distal myopathy with posterior leg and anterior hand involvement; Myofibrillar myopathy 5; Hypertrophic cardiomyopathy 26. Last evaluated: 2022-11-22. Review status: criteria provided, single submitter. Criteria: Invitae Variant Classification Sherloc (09022015). Collection method: clinical testing. Allele origin: germline.
Comment: This sequence change creates a premature translational stop signal (p.Gln2241*) in the FLNC gene. It is expected to result in an absent or disrupted protein product. Loss-of-function variants in FLNC are known to be pathogenic (PMID: 27908349). This variant is not present in population databases (gnomAD no frequency). This variant has not been reported in the literature in individuals affected with FLNC-related conditions. ClinVar contains an entry for this variant (Variation ID: 1395732). For these reasons, this variant has been classified as Pathogenic.

Literature cited by the submitters: PubMed 27908349.